The following is an entry in ClinVar:

NM_001283009.2(RTEL1):c.2542C>A (p.Pro848Thr)

Genes: RTEL1-TNFRSF6B (RTEL1-TNFRSF6B readthrough (NMD candidate); plus strand), RTEL1 (regulator of telomere elongation helicase 1; plus strand). Cytogenetic location: 20q13.33.
Variant type: single nucleotide variant.
Coding change: c.2542C>A on transcript NM_001283009.2 (MANE Select); coding-DNA position 2542, C replaced by A.
Protein change: p.Pro848Thr; replaces proline 848 with threonine.
Molecular consequence: missense variant. On other transcripts: non-coding transcript variant (1).
Genome position (GRCh38, 1-based): chr20:63,690,933, C>A. VCF-style: chr20-63690933-C-A. GRCh37 (hg19) VCF-style: chr20-62322286-C-A.
Other names: c.1873C>A, p.Pro625Thr (NM_001283010.1); c.2542C>A, p.Pro848Thr (NM_016434.4); c.2614C>A, p.Pro872Thr (NM_032957.5); c.2614C>A (NM_032957.4); short protein forms P625T, P848T, P872T.
Identifiers: ClinVar variation 991709 (VCV000991709.2), dbSNP rs1295440820, ClinGen allele CA409681810.
Genomic context (GRCh38, chr20:63,690,933, plus strand): 5'-CGGCAGAGGCCCAGGGGGCTGCTGGCCGCCCTGGAGCACAGCGAACAGCGGGCGGGGAGC[C>A]CTGGCGAGGAGCAGGTACAGTTCCAGGGCCTTGGGATGGACACAGACCCTCTGTCTCCTG-3'
Protein context (NP_001269938.1, residues 838-858): LEHSEQRAGS[Pro848Thr]GEEQAHSCST

ClinVar aggregate classification (germline): Uncertain significance. Review status: criteria provided, single submitter (1 of 4 stars). 2 submissions from 2 submitters: Uncertain significance (1). 1 of the submissions does not count toward it. Last evaluated 2024-09-04.

Conditions:
Inborn genetic diseases. Identifiers: MedGen C0950123, MeSH D030342.
Dyskeratosis congenita. Identifiers: Orphanet 1775, MedGen C0265965, MONDO:0015780.

Allele frequency attached by ClinVar (database versions not stated): TOPMed below 0.00001; gnomAD 0.00001.
gnomAD v4.1: 2 of 1,554,192 alleles (0.00013%); highest among the groups gnomAD compares: African/African-American, 0.0014%; no homozygotes.

Submissions (2):

Ambry Genetics
Classification: Uncertain significance for Inborn genetic diseases. Last evaluated: 2024-09-04. Review status: criteria provided, single submitter. Criteria: Ambry Variant Classification Scheme 2023. Collection method: clinical testing. Allele origin: germline.
Comment: The p.P872T variant (also known as c.2614C>A), located in coding exon 26 of the RTEL1 gene, results from a C to A substitution at nucleotide position 2614. The proline at codon 872 is replaced by threonine, an amino acid with highly similar properties. This amino acid position is conserved. In addition, this alteration is predicted to be tolerated by in silico analysis. Based on the available evidence, the clinical significance of this variant remains unclear.

Natera, Inc.
Classification: Uncertain significance for Dyskeratosis congenita. Last evaluated: 2020-08-16. Review status: no assertion criteria provided. Collection method: clinical testing. Allele origin: germline. Not counted in ClinVar's aggregate classification.